The following is an entry in ClinVar:

NM_002519.3(NPAT):c.4022C>G (p.Ala1341Gly)

Gene: NPAT (nuclear protein, coactivator of histone transcription; minus strand). Cytogenetic location: 11q22.3.
Variant type: single nucleotide variant.
Coding change: c.4022C>G on transcript NM_002519.3 (MANE Select); coding-DNA position 4022, C replaced by G.
Protein change: p.Ala1341Gly; replaces alanine 1341 with glycine.
Molecular consequence: missense variant.
Genome position (GRCh38, 1-based): chr11:108,161,064, G>C on the plus strand (C>G on the coding strand, the complement: NPAT is on the minus strand). VCF-style: chr11-108161064-G-C. GRCh37 (hg19) VCF-style: chr11-108031791-G-C.
Other names: c.4043C>G, p.Ala1348Gly (NM_001321307.1); short protein forms A1341G, A1348G.
Identifiers: ClinVar variation 1737127 (VCV001737127.2), dbSNP rs2496693596, ClinGen allele CA382509531.
Genomic context (GRCh38, chr11:108,161,064, plus strand): 5'-GCTCTAAACTGTTGTGTGTTATCTTTCAGAGGAGTTGCTGAAGTAGTCCTAGAAATGGCT[G>C]CCCTGGAGAGAATCATTAATGTGTGGGCAGCCATATTTACACTGTTTTCACTTCCTGTTT-3'
Protein context (NP_002510.2, residues 1331-1351): AAHTLMILSR[Ala1341Gly]AISRTTSATP

ClinVar aggregate classification (germline): Uncertain significance (1 of 4 stars; one submission).

Submission:

Ambry Genetics
Classification: Uncertain significance. Last evaluated: 2021-07-20. Review status: criteria provided, single submitter. Criteria: Ambry Variant Classification Scheme 2023. Collection method: clinical testing. Allele origin: germline.
Comment: The p.A1341G variant (also known as c.4022C>G), located in coding exon 17 of the NPAT gene, results from a C to G substitution at nucleotide position 4022. The alanine at codon 1341 is replaced by glycine, an amino acid with similar properties. This amino acid position is conserved. In addition, the in silico prediction for this alteration is inconclusive. Since supporting evidence is limited at this time, the clinical significance of this alteration remains unclear.